The following is an entry in ClinVar:

ClinVar aggregate classification (germline): Likely benign (0 of 4 stars; one submission).

Conditions:
NRP2-related disorder. Also called: NRP2-related condition.

Allele frequency attached by ClinVar (database versions not stated): gnomAD 0.00043; TOPMed 0.00051; ESP Exome Variant Server 0.00069.
gnomAD v4.1: 130 of 1,613,914 alleles (0.0081%); highest among the groups gnomAD compares: African/African-American, 0.15%; no homozygotes.

Submission:

PreventionGenetics, part of Exact Sciences
Classification: Likely benign for NRP2-related condition. Last evaluated: 2022-02-08. Review status: no assertion criteria provided. Collection method: clinical testing. Allele origin: germline.
Comment: This variant is classified as likely benign based on ACMG/AMP sequence variant interpretation guidelines (Richards et al. 2015 PMID: 25741868, with internal and published modifications).

NM_003872.3(NRP2):c.2656A>T (p.Thr886Ser)

Gene: NRP2 (neuropilin 2; plus strand). Cytogenetic location: 2q33.3.
Variant type: single nucleotide variant.
Coding change: c.2656A>T on transcript NM_003872.3 (MANE Select); coding-DNA position 2656, A replaced by T.
Protein change: p.Thr886Ser; replaces threonine 886 with serine.
Molecular consequence: missense variant.
Genome position (GRCh38, 1-based): chr2:205,794,933, A>T. VCF-style: chr2-205794933-A-T. GRCh37 (hg19) VCF-style: chr2-206659657-A-T.
Other names: c.2671A>T, p.Thr891Ser (NM_201266.2); c.2605A>T, p.Thr869Ser (NM_201279.2); short protein forms T869S, T886S, T891S.
Identifiers: ClinVar variation 3053727 (VCV003053727.2), dbSNP rs141567470, ClinGen allele CA2069632.